The following is an entry in ClinVar:

ClinVar aggregate classification (germline): Pathogenic (1 of 4 stars; one submission).

Conditions:
Familial cancer of breast. Also called: Hereditary breast cancer; BREAST CANCER, FAMILIAL; hereditary breast carcinoma. Identifiers: Orphanet 227535, MedGen C0346153, MONDO:0016419, OMIM 114480. Disease mechanism: loss of function.
Fanconi anemia complementation group J. Also called: BRIP1-Related Fanconi Anemia. Identifiers: Orphanet 84, MedGen C1836860, MONDO:0012187, OMIM 609054.

Submission:

Labcorp Genetics (formerly Invitae), Labcorp
Classification: Pathogenic for Familial cancer of breast; Fanconi anemia complementation group J. Last evaluated: 2020-09-15. Review status: criteria provided, single submitter. Criteria: Invitae Variant Classification Sherloc (09022015). Collection method: clinical testing. Allele origin: germline.
Comment: For these reasons, this variant has been classified as Pathogenic. Loss-of-function variants in BRIP1 are known to be pathogenic (PMID: 16116423, 17033622, 21964575). This variant has not been reported in the literature in individuals with BRIP1-related conditions. This variant is not present in population databases (ExAC no frequency). This sequence change creates a premature translational stop signal (p.Val891Phefs*6) in the BRIP1 gene. It is expected to result in an absent or disrupted protein product.

Literature cited by the submitters: PubMed 16116423; PubMed 17033622; PubMed 21964575.

NM_032043.3(BRIP1):c.2670del (p.Val891fs)

Gene: BRIP1 (BRCA1 interacting DNA helicase 1; minus strand). Cytogenetic location: 17q23.2.
Variant type: Deletion.
Coding change: c.2670del on transcript NM_032043.3 (MANE Select); coding-DNA position 2670, one base deleted (A; older notation c.2670delA).
Protein change: p.Val891fs; shifts the reading frame from valine 891.
Molecular consequence: frameshift variant.
Genome position (GRCh38, 1-based): chr17:61,686,071, T deleted on the plus strand (A on the coding strand, the reverse complement: BRIP1 is on the minus strand); the first of 5 consecutive T bases (chr17:61,686,071-61,686,075); deleting any one gives the same sequence. VCF-style (leftmost placement, unchanged base first): chr17-61686070-CT-C. GRCh37 (hg19) VCF-style: chr17-59763431-CT-C.
Other names: short protein forms V891fs.
Identifiers: ClinVar variation 1069129 (VCV001069129.8), dbSNP rs2144115743, ClinGen allele CA2499224783.